The following is an entry in ClinVar:

NM_000372.5(TYR):c.1331A>G (p.Asp444Gly)

Gene: TYR (tyrosinase; plus strand). Cytogenetic location: 11q14.3.
Variant type: single nucleotide variant.
Coding change: c.1331A>G on transcript NM_000372.5 (MANE Select); coding-DNA position 1331, A replaced by G.
Protein change: p.Asp444Gly; replaces aspartic acid 444 with glycine.
Molecular consequence: missense variant.
Genome position (GRCh38, 1-based): chr11:89,284,919, A>G. VCF-style: chr11-89284919-A-G. GRCh37 (hg19) VCF-style: chr11-89018087-A-G.
Other names: short protein forms D444G.
Identifiers: ClinVar variation 3385118 (VCV003385118.1).
Genomic context (GRCh38, chr11:89,284,919, plus strand): 5'-CCTACATGGTTCCTTTTATACCACTGTACAGAAATGGTGATTTCTTTATTTCATCCAAAG[A>G]TCTGGGCTATGACTATAGCTATCTACAAGATTCAGGTAAAGTTTACTTTCTTTCAGAGGA-3'
Protein context (NP_000363.1, residues 434-454): RNGDFFISSK[Asp444Gly]LGYDYSYLQD

ClinVar aggregate classification (germline): Uncertain significance (1 of 4 stars; one submission).

gnomAD v4.1: 1 of 1,611,716 alleles (0.000062%); highest among the groups gnomAD compares: Non-Finnish European, 0.000085%; no homozygotes.

Submission:

Women's Health and Genetics/Laboratory Corporation of America, LabCorp
Classification: Uncertain significance. Last evaluated: 2024-10-23. Review status: criteria provided, single submitter. Criteria: LabCorp Variant Classification Summary - May 2015. Collection method: clinical testing. Allele origin: germline.
Comment: Variant summary: TYR c.1331A>G (p.Asp444Gly) results in a non-conservative amino acid change in the encoded protein sequence. Four of five in-silico tools predict a damaging effect of the variant on protein function. The variant was absent in 250250 control chromosomes (gnomAD). The available data on variant occurrences in the general population are insufficient to allow any conclusion about variant significance. c.1331A>G has been reported in the literature in individuals affected with Oculocutaneous Albinism without strong evidence of causality (Opitz_2004). This report does not provide unequivocal conclusions about association of the variant with Oculocutaneous Albinism. To our knowledge, no experimental evidence demonstrating an impact on protein function has been reported. The following publication has been ascertained in the context of this evaluation (PMID: 15146472). No submitters have cited clinical-significance assessments for this variant to ClinVar. Based on the evidence outlined above, the variant was classified as uncertain significance.

Literature cited by the submitters: PubMed 15146472.